The following is an entry in ClinVar:

NM_003737.4(DCHS1):c.692G>A (p.Gly231Asp)

Gene: DCHS1 (dachsous cadherin-related 1; minus strand). Cytogenetic location: 11p15.4.
Variant type: single nucleotide variant.
Coding change: c.692G>A on transcript NM_003737.4 (MANE Select); coding-DNA position 692, G replaced by A.
Protein change: p.Gly231Asp; replaces glycine 231 with aspartic acid.
Molecular consequence: missense variant.
Genome position (GRCh38, 1-based): chr11:6,640,922, C>T on the plus strand (G>A on the coding strand, the complement: DCHS1 is on the minus strand). VCF-style: chr11-6640922-C-T. GRCh37 (hg19) VCF-style: chr11-6662153-C-T.
Other names: short protein forms G231D.
Identifiers: ClinVar variation 1483457 (VCV001483457.6), dbSNP rs1009156346, ClinGen allele CA217303382.

ClinVar aggregate classification (germline): Uncertain significance (1 of 4 stars; one submission).

Allele frequency attached by ClinVar (database versions not stated): gnomAD exomes below 0.00001; TOPMed below 0.00001.

Submission:

Labcorp Genetics (formerly Invitae), Labcorp
Classification: Uncertain significance. Last evaluated: 2022-03-22. Review status: criteria provided, single submitter. Criteria: Invitae Variant Classification Sherloc (09022015). Collection method: clinical testing. Allele origin: germline.
Comment: This sequence change replaces glycine, which is neutral and non-polar, with aspartic acid, which is acidic and polar, at codon 231 of the DCHS1 protein (p.Gly231Asp). In summary, the available evidence is currently insufficient to determine the role of this variant in disease. Therefore, it has been classified as a Variant of Uncertain Significance. Algorithms developed to predict the effect of missense changes on protein structure and function are either unavailable or do not agree on the potential impact of this missense change (SIFT: "Deleterious"; PolyPhen-2: "Probably Damaging"; Align-GVGD: "Class C0"). This variant has not been reported in the literature in individuals affected with DCHS1-related conditions. This variant is present in population databases (no rsID available, gnomAD 0.003%).